The following is an entry in ClinVar:

ClinVar aggregate classification (germline): Uncertain significance (1 of 4 stars; one submission).

Conditions:
Hermansky-Pudlak syndrome 4 (HPS4). Identifiers: Orphanet 231500, Orphanet 79430, MedGen C3484357, MONDO:0013556, OMIM 614073.

gnomAD v4.1: 2 of 1,613,874 alleles (0.00012%); highest among the groups gnomAD compares: Non-Finnish European, 0.00017%; no homozygotes.

Submission:

Neuberg Centre For Genomic Medicine, NCGM
Classification: Uncertain significance for Hermansky-Pudlak syndrome 4. Review status: criteria provided, single submitter. Criteria: ACMG Guidelines, 2015. Collection method: clinical testing. Allele origin: germline. Inheritance: Autosomal recessive inheritance. Affected: yes.
Comment: The stop gained variant c.430G>T (p.Glu144Ter) in HPS4 gene has not been reported previously as a pathogenic variant nor as a benign variant, to our knowledge. The p.Glu144Ter variant is novel (not in any individuals) in gnomAD exomes and is novel (not in any individuals) in 1000 Genomes. This variant is predicted to cause loss of normal protein function through protein truncation. Loss of function variants have been previously reported to be disease causing. For these reasons, this variant has been classified as Likely Pathogenic.

NM_022081.6(HPS4):c.430G>T (p.Glu144Ter)

Gene: HPS4 (HPS4 biogenesis of lysosomal organelles complex 3 subunit 2; minus strand). Cytogenetic location: 22q12.1.
Variant type: single nucleotide variant.
Coding change: c.430G>T on transcript NM_022081.6 (MANE Select); coding-DNA position 430, G replaced by T.
Protein change: p.Glu144Ter; replaces glutamic acid 144 with a stop codon.
Molecular consequence: nonsense. On other transcripts: non-coding transcript variant (8).
Genome position (GRCh38, 1-based): chr22:26,472,373, C>A on the plus strand (G>T on the coding strand, the complement: HPS4 is on the minus strand). VCF-style: chr22-26472373-C-A. GRCh37 (hg19) VCF-style: chr22-26868339-C-A.
Other names: c.430G>T, p.Glu144Ter (NM_001349899.2, NM_001349900.2, NM_001349896.1 and 7 more transcripts); c.415G>T, p.Glu139Ter (NM_152841.2); short protein forms E139*, E144*.
Identifiers: ClinVar variation 2584990 (VCV002584990.1), dbSNP rs749385689, ClinGen allele CA411031112.